The following is an entry in ClinVar:

ClinVar aggregate classification (germline): Pathogenic. Review status: criteria provided, multiple submitters, no conflicts (2 of 4 stars). 2 submissions from 2 submitters: Pathogenic (2). Last evaluated 2024-10-01.

Conditions:
DICER1-related tumor predisposition. Also called: DICER1-related pleuropulmonary blastoma cancer predisposition syndrome; DICER1 syndrome. Identifiers: Orphanet 284343, MedGen C3839822, MONDO:0100216.
Hereditary cancer-predisposing syndrome. Also called: Hereditary neoplastic syndrome; Tumor predisposition; Neoplastic Syndromes, Hereditary; Hereditary Cancer Syndrome. Identifiers: Orphanet 140162, MedGen C0027672, MeSH D009386, MONDO:0015356.

Submissions (2):

Labcorp Genetics (formerly Invitae), Labcorp
Classification: Pathogenic for DICER1-related tumor predisposition. Last evaluated: 2024-10-01. Review status: criteria provided, single submitter. Criteria: Invitae Variant Classification Sherloc (09022015). Collection method: clinical testing. Allele origin: germline.
Comment: This sequence change creates a premature translational stop signal (p.Lys1363Glufs*13) in the DICER1 gene. It is expected to result in an absent or disrupted protein product. Loss-of-function variants in DICER1 are known to be pathogenic (PMID: 19556464, 21266384). This variant is not present in population databases (gnomAD no frequency). This premature translational stop signal has been observed in individual(s) with DICER1-related conditions (PMID: 30455982). ClinVar contains an entry for this variant (Variation ID: 429120). For these reasons, this variant has been classified as Pathogenic.

Ambry Genetics
Classification: Pathogenic for Hereditary cancer-predisposing syndrome. Last evaluated: 2014-10-31. Review status: criteria provided, single submitter. Criteria: Ambry Variant Classification Scheme 2023. Collection method: clinical testing. Allele origin: germline.
Comment: The c.4085dupA pathogenic mutation, located in coding exon 21 of the DICER1 gene, results from a duplication of one nucleotide at position 4085, causing a translational frameshift with a predicted alternate stop codon. Since frameshifts are typically deleterious in nature, this alteration is interpreted as a disease-causing mutation (ACMG Recommendations for Standards for Interpretation and Reporting of Sequence Variations. Revision 2007. Genet Med. 2008;10:294).

Literature cited by the submitters: PubMed 19556464 (cited by Labcorp Genetics (formerly Invitae), Labcorp); PubMed 21266384 (cited by Labcorp Genetics (formerly Invitae), Labcorp); PubMed 30455982 (cited by Labcorp Genetics (formerly Invitae), Labcorp).

NM_177438.3(DICER1):c.4085dup (p.Lys1363fs)

Gene: DICER1 (dicer 1, ribonuclease III; minus strand). Cytogenetic location: 14q32.13.
Variant type: Duplication.
Coding change: c.4085dup on transcript NM_177438.3 (MANE Select); coding-DNA position 4085, one base duplicated (A; older notation c.4085dupA).
Protein change: p.Lys1363fs; shifts the reading frame from lysine 1363.
Molecular consequence: frameshift variant.
Genome position (GRCh38, 1-based): chr14:95,099,901, T duplicated on the plus strand (A on the coding strand, the reverse complement: DICER1 is on the minus strand); the first of 6 consecutive T bases (chr14:95,099,901-95,099,906); duplicating any one gives the same sequence. VCF-style (leftmost placement, unchanged base first): chr14-95099900-C-CT. GRCh37 (hg19) VCF-style: chr14-95566237-C-CT.
Other names: c.4085dupA (NM_177438.2); c.4085dup, p.Lys1363fs (NM_001195573.1, NM_001271282.3, NM_001291628.2 and 1 more transcripts); short protein forms K1363fs.
Identifiers: ClinVar variation 429120 (VCV000429120.7), dbSNP rs1131691195, ClinGen allele CA645369622.